The following is an entry in ClinVar:

ClinVar aggregate classification (germline): Uncertain significance. Review status: criteria provided, multiple submitters, no conflicts (2 of 4 stars). 4 submissions from 4 submitters: Uncertain significance (4). Last evaluated 2026-04-09.

Conditions:
Hereditary nonpolyposis colorectal neoplasms. Identifiers: MedGen C0009405, MeSH D003123.
Hereditary cancer-predisposing syndrome. Also called: Neoplastic Syndromes, Hereditary; Tumor predisposition; Hereditary Cancer Syndrome; Hereditary neoplastic syndrome. Identifiers: Orphanet 140162, MedGen C0027672, MeSH D009386, MONDO:0015356.

Submissions (4):

Women's Health and Genetics/Laboratory Corporation of America, LabCorp
Classification: Uncertain significance. Last evaluated: 2026-04-09. Review status: criteria provided, single submitter. Criteria: LabCorp Variant Classification Summary - May 2015. Collection method: clinical testing. Allele origin: germline.
Comment: Variant summary: MSH6 c.2054G>C (p.Gly685Ala) results in a non-conservative amino acid change in the encoded protein sequence. Algorithms developed to predict the effect of missense changes on protein structure and function all suggest that this variant is likely to be disruptive. The variant was absent in 250600 control chromosomes. The available data on variant occurrences in the general population are insufficient to allow any conclusion about variant significance. c.2054G>C has been observed in at least 1 individual(s) affected with colon and/or gastric cancer, however the germline status of this variant was unclear (example, Ohmiya_2001). These report(s) do not provide unequivocal conclusions about association of the variant with Lynch Syndrome. To our knowledge, no experimental evidence demonstrating an impact on protein function has been reported. The following publication has been ascertained in the context of this evaluation (PMID: 11470537). ClinVar contains an entry for this variant (Variation ID: 2734198). Based on the evidence outlined above, the variant was classified as uncertain significance.

Color Diagnostics, LLC DBA Color Health
Classification: Uncertain significance for Hereditary cancer-predisposing syndrome. Last evaluated: 2024-09-24. Review status: criteria provided, single submitter. Criteria: ACMG Guidelines, 2015. Collection method: clinical testing. Allele origin: germline.
Comment: This missense variant replaces glycine with alanine at codon 685 of the MSH6 protein. Computational prediction suggests that this variant may have deleterious impact on protein structure and function (internally defined REVEL score threshold >= 0.7, PMID: 27666373). To our knowledge, functional studies have not been reported for this variant. This variant has been reported in an individual affected with colorectal cancer (PMID: 11470537). This variant has not been identified in the general population by the Genome Aggregation Database (gnomAD). The available evidence is insufficient to determine the role of this variant in disease conclusively. Therefore, this variant is classified as a Variant of Uncertain Significance.

Ambry Genetics
Classification: Uncertain significance for Hereditary cancer-predisposing syndrome. Last evaluated: 2024-08-21. Review status: criteria provided, single submitter. Criteria: Ambry Variant Classification Scheme 2023. Collection method: clinical testing. Allele origin: germline.
Comment: The p.G685A variant (also known as c.2054G>C), located in coding exon 4 of the MSH6 gene, results from a G to C substitution at nucleotide position 2054. The glycine at codon 685 is replaced by alanine, an amino acid with similar properties. This variant was detected in the germline of a patient with colon cancer whose tumor was found to harbor a somatic frameshift variant in MSH6 (Ohmiya N et al. Gene, 2001 Jul;272:301-13). This amino acid position is highly conserved in available vertebrate species. In addition, this alteration is predicted to be deleterious by in silico analysis. Based on the available evidence, the clinical significance of this variant remains unclear.

Labcorp Genetics (formerly Invitae), Labcorp
Classification: Uncertain significance for Hereditary nonpolyposis colorectal neoplasms. Last evaluated: 2024-04-22. Review status: criteria provided, single submitter. Criteria: Invitae Variant Classification Sherloc (09022015). Collection method: clinical testing. Allele origin: germline.
Comment: This sequence change replaces glycine, which is neutral and non-polar, with alanine, which is neutral and non-polar, at codon 685 of the MSH6 protein (p.Gly685Ala). This variant is not present in population databases (gnomAD no frequency). This missense change has been observed in individual(s) with colon cancer (PMID: 11470537). An algorithm developed specifically for the MSH6 gene suggests that this missense change is likely to be deleterious (PMID: 23621914). In summary, the available evidence is currently insufficient to determine the role of this variant in disease. Therefore, it has been classified as a Variant of Uncertain Significance.

Literature cited by the submitters: PubMed 11470537 (cited by 4 submitters); PubMed 23621914 (cited by Labcorp Genetics (formerly Invitae), Labcorp).

NM_000179.3(MSH6):c.2054G>C (p.Gly685Ala)

Gene: MSH6 (mutS homolog 6; plus strand). Cytogenetic location: 2p16.3.
Variant type: single nucleotide variant.
Coding change: c.2054G>C on transcript NM_000179.3 (MANE Select); coding-DNA position 2054, G replaced by C.
Protein change: p.Gly685Ala; replaces glycine 685 with alanine.
Molecular consequence: missense variant.
Genome position (GRCh38, 1-based): chr2:47,800,037, G>C. VCF-style: chr2-47800037-G-C. GRCh37 (hg19) VCF-style: chr2-48027176-G-C.
Other names: c.1664G>C, p.Gly555Ala (NM_001281492.2); c.1148G>C, p.Gly383Ala (NM_001281493.2, NM_001281494.2); short protein forms G685A, G555A, G383A.
Identifiers: ClinVar variation 2734198 (VCV002734198.6), dbSNP rs63750358, ClinGen allele CA009614.
Genomic context (GRCh38, chr2:47,800,037, plus strand): 5'-AGTCTGATTCCATTGGGTTGACACCAGGAGAGAAAAGTGAATTGGCCCTCTCTGCTCTAG[G>C]TGGTTGTGTCTTCTACCTCAAAAAATGCCTTATTGATCAGGAGCTTTTATCAATGGCTAA-3'
Protein context (NP_000170.1, residues 675-695): EKSELALSAL[Gly685Ala]GCVFYLKKCL